The following is an entry in ClinVar:

NM_198859.4(PRICKLE2):c.479T>G (p.Phe160Cys)

Gene: PRICKLE2 (prickle planar cell polarity protein 2; minus strand). Cytogenetic location: 3p14.1.
Variant type: single nucleotide variant.
Coding change: c.479T>G on transcript NM_198859.4 (MANE Select); coding-DNA position 479, T replaced by G.
Protein change: p.Phe160Cys; replaces phenylalanine 160 with cysteine.
Molecular consequence: missense variant.
Genome position (GRCh38, 1-based): chr3:64,157,283, A>C on the plus strand (T>G on the coding strand, the complement: PRICKLE2 is on the minus strand). VCF-style: chr3-64157283-A-C. GRCh37 (hg19) VCF-style: chr3-64142959-A-C.
Other names: c.479T>G, p.Phe160Cys (NM_001370528.1); short protein forms F160C.
Identifiers: ClinVar variation 2709756 (VCV002709756.3), dbSNP rs2471173322, ClinGen allele CA353435106.

ClinVar aggregate classification (germline): Uncertain significance (1 of 4 stars; one submission).

Conditions:
Progressive myoclonic epilepsy type 5. Identifiers: Orphanet 402082, MedGen C5190799.

Submission:

Labcorp Genetics (formerly Invitae), Labcorp
Classification: Uncertain significance for Progressive myoclonic epilepsy type 5. Last evaluated: 2024-01-17. Review status: criteria provided, single submitter. Criteria: Invitae Variant Classification Sherloc (09022015). Collection method: clinical testing. Allele origin: germline.
Comment: This sequence change replaces phenylalanine, which is neutral and non-polar, with cysteine, which is neutral and slightly polar, at codon 160 of the PRICKLE2 protein (p.Phe160Cys). This variant is not present in population databases (gnomAD no frequency). This variant has not been reported in the literature in individuals affected with PRICKLE2-related conditions. Advanced modeling of protein sequence and biophysical properties (such as structural, functional, and spatial information, amino acid conservation, physicochemical variation, residue mobility, and thermodynamic stability) performed at Invitae indicates that this missense variant is expected to disrupt PRICKLE2 protein function with a positive predictive value of 80%. In summary, the available evidence is currently insufficient to determine the role of this variant in disease. Therefore, it has been classified as a Variant of Uncertain Significance.